The following is an entry in ClinVar:

NM_032119.4(ADGRV1):c.18710C>T (p.Thr6237Met)

Gene: ADGRV1 (adhesion G protein-coupled receptor V1; plus strand). Cytogenetic location: 5q14.3.
Variant type: single nucleotide variant.
Coding change: c.18710C>T on transcript NM_032119.4 (MANE Select); coding-DNA position 18710, C replaced by T.
Protein change: p.Thr6237Met; replaces threonine 6237 with methionine.
Molecular consequence: missense variant. On other transcripts: non-coding transcript variant (1).
Genome position (GRCh38, 1-based): chr5:91,153,306, C>T. VCF-style: chr5-91153306-C-T. GRCh37 (hg19) VCF-style: chr5-90449123-C-T.
Other names: short protein forms T6237M.
Identifiers: ClinVar variation 959014 (VCV000959014.11), dbSNP rs376428763, ClinGen allele CA123051477.

ClinVar aggregate classification (germline): Conflicting classifications of pathogenicity. Review status: criteria provided, conflicting classifications (1 of 4 stars). 5 submissions from 5 submitters: Uncertain significance (4); Likely benign (1). Last evaluated 2026-01-23.

Conditions:
ADGRV1-related disorder. Also called: ADGRV1-related disorders; ADGRV1-related condition.
Usher syndrome type 2C. Also called: Usher syndrome, type 2B; USHER SYNDROME, TYPE IIC. Identifiers: Orphanet 231178, Orphanet 886, MedGen C2931213, MONDO:0011558, OMIM 605472.
Febrile seizures, familial, 4 (FEB4). Also called: CONVULSIONS, FAMILIAL FEBRILE, 4. Identifiers: MedGen C1858493, MONDO:0011443, OMIM 604352.
Inborn genetic diseases. Identifiers: MedGen C0950123, MeSH D030342.

Allele frequency attached by ClinVar (database versions not stated): gnomAD exomes 0.00003 and 0.00002; ESP Exome Variant Server 0.00008; gnomAD 0.00011; TOPMed 0.00020.
gnomAD v4.1: 61 of 1,611,606 alleles (0.0038%); highest among the groups gnomAD compares: Admixed American, 0.028%; no homozygotes.

Submissions (5):

PreventionGenetics, part of Exact Sciences
Classification: Uncertain significance for ADGRV1-related condition. Last evaluated: 2026-01-23. Review status: criteria provided, single submitter. Criteria: ACMG Guidelines, 2015. Collection method: clinical testing. Allele origin: germline.
Comment: The ADGRV1 c.18710C>T variant is predicted to result in the amino acid substitution p.Thr6237Met. To our knowledge, this variant has not been reported in the literature. This variant is present in 0.0042% of alleles in individuals of African descent in gnomAD. At this time, the clinical significance of this variant is uncertain due to the absence of conclusive functional and genetic evidence.

Labcorp Genetics (formerly Invitae), Labcorp
Classification: Likely benign. Last evaluated: 2026-01-12. Review status: criteria provided, single submitter. Criteria: Invitae Variant Classification Sherloc (09022015). Collection method: clinical testing. Allele origin: germline.

Fulgent Genetics
Classification: Uncertain significance for Febrile seizures, familial, 4; Usher syndrome type 2C. Last evaluated: 2022-05-17. Review status: criteria provided, single submitter. Criteria: ACMG Guidelines, 2015. Collection method: clinical testing. Allele origin: unknown.

Ambry Genetics
Classification: Uncertain significance for Inborn genetic diseases. Last evaluated: 2021-07-08. Review status: criteria provided, single submitter. Criteria: Ambry Variant Classification Scheme 2023. Collection method: clinical testing. Allele origin: germline.

Blueprint Genetics
Classification: Uncertain significance. Last evaluated: 2018-05-16. Review status: criteria provided, single submitter. Criteria: ACMG Guidelines, 2015. Collection method: clinical testing. Allele origin: germline.